The following is an entry in ClinVar:

ClinVar aggregate classification (germline): Uncertain significance (1 of 4 stars; one submission).

gnomAD v4.1: 209 of 1,575,194 alleles (0.013%); highest among the groups gnomAD compares: South Asian, 0.019%; no homozygotes.

Submission:

Women's Health and Genetics/Laboratory Corporation of America, LabCorp
Classification: Uncertain significance. Last evaluated: 2025-07-16. Review status: criteria provided, single submitter. Criteria: LabCorp Variant Classification Summary - May 2015. Collection method: clinical testing. Allele origin: germline.
Comment: Variant summary: BLOC1S3 c.101C>A (p.Ser34X) results in a premature termination codon, predicted to cause a truncation of the encoded protein or absence of the protein due to nonsense mediated decay, however current evidence is not sufficient to establish loss of function as a mechanism for disease. The variant allele was found at a frequency of 0.00015 in 197734 control chromosomes. This frequency is not significantly higher than estimated for a pathogenic variant in BLOC1S3 causing Hermansky-Pudlak Syndrome (0.00015 vs 0.00016), allowing no conclusion about variant significance. To our knowledge, no occurrence of c.101C>A in individuals affected with Hermansky-Pudlak Syndrome and no experimental evidence demonstrating its impact on protein function have been reported. ClinVar contains an entry for this variant (Variation ID: 3339249). Based on the evidence outlined above, the variant was classified as uncertain significance.

NM_212550.5(BLOC1S3):c.101C>A (p.Ser34Ter)

Gene: BLOC1S3 (biogenesis of lysosomal organelles complex 1 subunit 3; plus strand). Cytogenetic location: 19q13.32.
Variant type: single nucleotide variant.
Coding change: c.101C>A on transcript NM_212550.5 (MANE Select); coding-DNA position 101, C replaced by A.
Protein change: p.Ser34Ter; replaces serine 34 with a stop codon.
Molecular consequence: nonsense.
Genome position (GRCh38, 1-based): chr19:45,179,397, C>A. VCF-style: chr19-45179397-C-A. GRCh37 (hg19) VCF-style: chr19-45682655-C-A.
Other names: short protein forms S34*.
Identifiers: ClinVar variation 3339249 (VCV003339249.2), dbSNP rs567410388.